The following is an entry in ClinVar:

NM_002067.5(GNA11):c.794A>G (p.Gln265Arg)

Gene: GNA11 (G protein subunit alpha 11; plus strand). Cytogenetic location: 19p13.3.
Variant type: single nucleotide variant.
Coding change: c.794A>G on transcript NM_002067.5 (MANE Select); coding-DNA position 794, A replaced by G.
Protein change: p.Gln265Arg; replaces glutamine 265 with arginine.
Molecular consequence: missense variant.
Genome position (GRCh38, 1-based): chr19:3,119,264, A>G. VCF-style: chr19-3119264-A-G. GRCh37 (hg19) VCF-style: chr19-3119262-A-G.
Other names: short protein forms Q265R.
Identifiers: ClinVar variation 1990026 (VCV001990026.4), dbSNP rs1914005297, ClinGen allele CA403310983.

ClinVar aggregate classification (germline): Uncertain significance (1 of 4 stars; one submission).

Allele frequency attached by ClinVar (database versions not stated): gnomAD 0.00001.
gnomAD v4.1: 1 of 1,613,760 alleles (0.000062%); highest among the groups gnomAD compares: Admixed American, 0.0017%; no homozygotes.

Submission:

Labcorp Genetics (formerly Invitae), Labcorp
Classification: Uncertain significance. Last evaluated: 2024-06-03. Review status: criteria provided, single submitter. Criteria: Invitae Variant Classification Sherloc (09022015). Collection method: clinical testing. Allele origin: germline.
Comment: This sequence change replaces glutamine, which is neutral and polar, with arginine, which is basic and polar, at codon 265 of the GNA11 protein (p.Gln265Arg). This variant is not present in population databases (gnomAD no frequency). This variant has not been reported in the literature in individuals affected with GNA11-related conditions. ClinVar contains an entry for this variant (Variation ID: 1990026). Advanced modeling of protein sequence and biophysical properties (such as structural, functional, and spatial information, amino acid conservation, physicochemical variation, residue mobility, and thermodynamic stability) performed at Invitae indicates that this missense variant is not expected to disrupt GNA11 protein function with a negative predictive value of 80%. In summary, the available evidence is currently insufficient to determine the role of this variant in disease. Therefore, it has been classified as a Variant of Uncertain Significance.